The following is an entry in ClinVar:

ClinVar aggregate classification (germline): Benign (1 of 4 stars; one submission).

Conditions:
Familial cancer of breast. Also called: hereditary breast carcinoma; Hereditary breast cancer; BREAST CANCER, FAMILIAL. Identifiers: Orphanet 227535, MedGen C0346153, MONDO:0016419, OMIM 114480. Disease mechanism: loss of function.

Submission:

Myriad Genetics, Inc.
Classification: Benign for Familial cancer of breast. Last evaluated: 2024-09-09. Review status: criteria provided, single submitter. Criteria: Myriad Autosomal Dominant, Autosomal Recessive and X-Linked Classification Criteria (2023). Collection method: clinical testing. Allele origin: unknown.
Comment: This variant is considered benign. This variant is a silent/synonymous amino acid change and it is not expected to impact splicing.

NM_032043.3(BRIP1):c.3171T>C (p.Asn1057=)

Gene: BRIP1 (BRCA1 interacting DNA helicase 1; minus strand). Cytogenetic location: 17q23.2.
Variant type: single nucleotide variant.
Coding change: c.3171T>C on transcript NM_032043.3 (MANE Select); coding-DNA position 3171, T replaced by C.
Protein change: p.Asn1057=; no amino-acid change (asparagine 1057 retained).
Molecular consequence: synonymous variant.
Genome position (GRCh38, 1-based): chr17:61,683,875, A>G on the plus strand (T>C on the coding strand, the complement: BRIP1 is on the minus strand). VCF-style: chr17-61683875-A-G. GRCh37 (hg19) VCF-style: chr17-59761236-A-G.
Identifiers: ClinVar variation 3379300 (VCV003379300.1).